The following is an entry in ClinVar:

NM_001267550.2(TTN):c.43268A>G (p.Asp14423Gly)

Gene: TTN (titin; minus strand). Cytogenetic location: 2q31.2.
Variant type: single nucleotide variant.
Coding change: c.43268A>G on transcript NM_001267550.2 (MANE Select); coding-DNA position 43268, A replaced by G.
Protein change: p.Asp14423Gly; replaces aspartic acid 14423 with glycine.
Molecular consequence: missense variant.
Genome position (GRCh38, 1-based): chr2:178,632,738, T>C on the plus strand (A>G on the coding strand, the complement: TTN is on the minus strand). VCF-style: chr2-178632738-T-C. GRCh37 (hg19) VCF-style: chr2-179497465-T-C.
Other names: c.38345A>G, p.Asp12782Gly (NM_001256850.1); c.16073A>G, p.Asp5358Gly (NM_003319.4); c.35564A>G, p.Asp11855Gly (NM_133378.4); c.16448A>G, p.Asp5483Gly (NM_133432.3); c.16649A>G, p.Asp5550Gly (NM_133437.4); short protein forms D14423G, D5358G, D12782G, D5550G, D11855G, D5483G.
Identifiers: ClinVar variation 1776303 (VCV001776303.2), dbSNP rs1251576869, ClinGen allele CA349651525.

ClinVar aggregate classification (germline): Uncertain significance (1 of 4 stars; one submission).

Conditions:
Cardiovascular phenotype. Identifiers: MedGen CN230736.

Allele frequency attached by ClinVar (database versions not stated): gnomAD exomes below 0.00001.
gnomAD v4.1: 1 of 1,613,276 alleles (0.000062%); highest among the groups gnomAD compares: Non-Finnish European, 0.000085%; no homozygotes.

Submission:

Ambry Genetics
Classification: Uncertain significance for Cardiovascular phenotype. Last evaluated: 2018-06-19. Review status: criteria provided, single submitter. Criteria: Ambry Variant Classification Scheme 2023. Collection method: clinical testing. Allele origin: germline.
Comment: The p.D5358G variant (also known as c.16073A>G), located in coding exon 62 of the TTN gene, results from an A to G substitution at nucleotide position 16073. The aspartic acid at codon 5358 is replaced by glycine, an amino acid with similar properties. These nucleotide and amino acid positions are highly conserved in available vertebrate species. Using the BDGP and ESEfinder splice site prediction tools, this alteration is predicted to create a new alternate splice donor site; however, direct evidence is unavailable. In addition, the missense alteration is predicted to be probably damaging by PolyPhen in silico analysis. Since supporting evidence is limited at this time, the clinical significance of this alteration remains unclear.